The following is an entry in ClinVar:

NM_000535.7(PMS2):c.354C>A (p.Ser118Arg)

Gene: PMS2 (PMS1 homolog 2, mismatch repair system component; minus strand). Cytogenetic location: 7p22.1.
Variant type: single nucleotide variant.
Coding change: c.354C>A on transcript NM_000535.7 (MANE Select); coding-DNA position 354, C replaced by A.
Protein change: p.Ser118Arg; replaces serine 118 with arginine.
Molecular consequence: missense variant. On other transcripts: 5 prime UTR variant (8), non-coding transcript variant (1).
Genome position (GRCh38, 1-based): chr7:6,002,636, G>T on the plus strand (C>A on the coding strand, the complement: PMS2 is on the minus strand). VCF-style: chr7-6002636-G-T. GRCh37 (hg19) VCF-style: chr7-6042267-G-T.
Other names: c.-52C>A (NM_001322003.2, NM_001322004.2, NM_001322005.2 and 3 more transcripts); c.354C>A, p.Ser118Arg (NM_001322006.2, NM_001322014.2); c.36C>A, p.Asn12Lys (NM_001322007.2, NM_001322008.2); c.-531C>A (NM_001322011.2, NM_001322012.2); c.45C>A, p.Ser15Arg (NM_001322015.2); short protein forms S118R, N12K, S15R.
Identifiers: ClinVar variation 230497 (VCV000230497.5), dbSNP rs760615315, ClinGen allele CA10578718.

ClinVar aggregate classification (germline): Uncertain significance (1 of 4 stars; one submission).

Conditions:
Hereditary cancer-predisposing syndrome. Also called: Neoplastic Syndromes, Hereditary; Tumor predisposition; Hereditary Cancer Syndrome; Hereditary neoplastic syndrome. Identifiers: Orphanet 140162, MedGen C0027672, MeSH D009386, MONDO:0015356.

Submission:

Ambry Genetics
Classification: Uncertain significance for Hereditary cancer-predisposing syndrome. Last evaluated: 2015-02-20. Review status: criteria provided, single submitter. Criteria: Ambry Variant Classification Scheme 2023. Collection method: clinical testing. Allele origin: germline.
Comment: The p.S118R variant (also known as c.354C>A) located in coding exon 5 of the PMS2 gene. The serine at codon 118 is replaced by arginine, an amino acid with dissimilar properties. This change occurs in the first base pair of exon 5 which makes it likely to have some effect on normal mRNA splicing. This variant was not reported in population based cohorts in the following databases: Database of Single Nucleotide Polymorphisms (dbSNP), NHLBI Exome Sequencing Project (ESP), and 1000 Genomes Project. In the ESP, this variant was not observed in 6501 samples (13002 alleles) with coverage at this position. To date, this alteration has been detected with an allele frequency of approximately 0.002% (greater than 40000 alleles tested) in our clinical cohort. This amino acid position is highly conserved in available vertebrate species. In addition, the in silico prediction for this alteration is inconclusive. Since supporting evidence is limited at this time, the clinical significance of p.S118R remains unclear.